The following is an entry in ClinVar:

ClinVar aggregate classification (germline): Pathogenic (1 of 4 stars; one submission).

Conditions:
Cardiovascular phenotype. Identifiers: MedGen CN230736.

Submission:

Ambry Genetics
Classification: Pathogenic for Cardiovascular phenotype. Last evaluated: 2024-12-31. Review status: criteria provided, single submitter. Criteria: Ambry Variant Classification Scheme 2023. Collection method: clinical testing. Allele origin: germline.
Comment: The c.2375_2387del13 pathogenic mutation, located in coding exon 15 of the FLNC gene, results from a deletion of 13 nucleotides at nucleotide positions 2375 to 2387, causing a translational frameshift with a predicted alternate stop codon (p.S792Kfs*4). This variant is considered to be rare based on population cohorts in the Genome Aggregation Database (gnomAD). This alteration is expected to result in loss of function by premature protein truncation or nonsense-mediated mRNA decay. Based on the supporting evidence, this variant is expected to be causative of FLNC-related dilated cardiomyopathy; however, its clinical significance for FLNC-related hypertrophy/restrictive cardiomyopathy and/or skeletal myopathy is unclear.

NM_001458.5(FLNC):c.2375_2387del (p.Ser792fs)

Gene: FLNC (filamin C; plus strand). Cytogenetic location: 7q32.1.
Variant type: Deletion.
Coding change: c.2375_2387del on transcript NM_001458.5 (MANE Select); coding-DNA positions 2375 to 2387, 13 bases deleted (GCGAGGCGGGGCA).
Protein change: p.Ser792fs; shifts the reading frame from serine 792.
Molecular consequence: frameshift variant.
Genome position (GRCh38, 1-based): chr7:128,842,684-128,842,696, GCGAGGCGGGGCA deleted; deleting any 13 consecutive bases within chr7:128,842,681-128,842,696 gives the same sequence; the c. name uses the placement nearest the transcript's 3' end. VCF-style (leftmost placement, unchanged base first): chr7-128842680-TGCAGCGAGGCGGG-T. GRCh37 (hg19) VCF-style: chr7-128482734-TGCAGCGAGGCGGG-T.
Other names: c.2375_2387del, p.Ser792fs (NM_001127487.2); c.2375_2387del13 (NM_001458.4); short protein forms S792fs.
Identifiers: ClinVar variation 3850774 (VCV003850774.1).